The following is an entry in ClinVar:

ClinVar aggregate classification (germline): Uncertain significance (1 of 4 stars; one submission).

Submission:

CeGaT Center for Human Genetics Tuebingen
Classification: Uncertain significance. Last evaluated: 2024-10-01. Review status: criteria provided, single submitter. Criteria: CeGaT Center For Human Genetics Tuebingen Variant Classification Criteria Version 2. Collection method: clinical testing. Allele origin: germline. Affected: yes. Observed: 1 variant allele.
Comment: KMT2B: PM2

NM_014727.3(KMT2B):c.89G>C (p.Gly30Ala)

Genes: KMT2B (lysine methyltransferase 2B; plus strand), LOC130064257 (ATAC-STARR-seq lymphoblastoid silent region 10534; plus strand). Cytogenetic location: 19q13.12.
Variant type: single nucleotide variant.
Coding change: c.89G>C on transcript NM_014727.3 (MANE Select); coding-DNA position 89, G replaced by C.
Protein change: p.Gly30Ala; replaces glycine 30 with alanine.
Molecular consequence: missense variant.
Genome position (GRCh38, 1-based): chr19:35,718,107, G>C. VCF-style: chr19-35718107-G-C. GRCh37 (hg19) VCF-style: chr19-36209009-G-C.
Other names: short protein forms G30A.
Identifiers: ClinVar variation 3389923 (VCV003389923.14).